The following is an entry in ClinVar:

ClinVar aggregate classification (germline): Pathogenic. Review status: criteria provided, multiple submitters, no conflicts (2 of 4 stars). 11 submissions from 11 submitters: Pathogenic (8). 3 of the submissions do not count toward it. Last evaluated 2025-11-08.

Conditions:
GNPTG-related disorder. Also called: GNPTG-related condition.
Retinal dystrophy. Also called: Inherited retinal dystrophy. Identifiers: Orphanet 71862, MedGen C0854723, MeSH D058499, MONDO:0019118, HP:0000556.
GNPTG-mucolipidosis. Also called: Mucolipidosis type III gamma; MUCOLIPIDOSIS III, COMPLEMENTATION GROUP C; MUCOLIPIDOSIS III, IRANIAN VARIANT FORM; MUCOLIPIDOSIS III, VARIANT FORM; ML III GAMMA; ML IIIC. Identifiers: Orphanet 423470, Orphanet 577, MedGen C1854896, MONDO:0009652, OMIM 252605.

Allele frequency attached by ClinVar (database versions not stated): ExAC 0.00001; gnomAD 0.00001; gnomAD exomes 0.00001; TOPMed 0.00001.
gnomAD v4.1: 14 of 1,613,978 alleles (0.00087%); highest among the groups gnomAD compares: Admixed American, 0.0017%; no homozygotes.

Submissions (11):

Labcorp Genetics (formerly Invitae), Labcorp
Classification: Pathogenic. Last evaluated: 2025-11-08. Review status: criteria provided, single submitter. Criteria: Invitae Variant Classification Sherloc (09022015). Collection method: clinical testing. Allele origin: germline.
Comment: This sequence change creates a premature translational stop signal (p.Arg66*) in the GNPTG gene. It is expected to result in an absent or disrupted protein product. Loss-of-function variants in GNPTG are known to be pathogenic (PMID: 19370764, 20301784). This variant is present in population databases (rs193302848, gnomAD 0.003%). This premature translational stop signal has been observed in individual(s) with mucolipidosis type III gamma (PMID: 15060128, 28950892). It has also been observed to segregate with disease in related individuals. ClinVar contains an entry for this variant (Variation ID: 21713). For these reasons, this variant has been classified as Pathogenic.

Natera, Inc.
Classification: Pathogenic for Mucolipidosis III gamma. Last evaluated: 2025-07-30. Review status: criteria provided, single submitter. Criteria: Natera Variant Classification Schema (03/2026). Collection method: clinical testing. Allele origin: germline.
Comment: The c.196C>T variant in GNPTG is a nonsense variant predicted to introduce a stop codon at amino acid 66. This variant is expected to result in nonsense mediated decay, truncation, or a dysfunctional protein product. This variant is rare in the general population with a frequency below the threshold expected for the associated phenotype(s). This variant has been observed in one or more individuals affected with the associated recessive disease, as either homozygous or compound heterozygous with a second variant (PMID: 15060128, 27243974, 28468868). Given the available evidence, this variant is classified as Pathogenic.

Revvity Omics, Revvity
Classification: Pathogenic for GNPTG-mucolipidosis. Last evaluated: 2024-05-14. Review status: criteria provided, single submitter. Criteria: ACMG Guidelines, 2015. Collection method: clinical testing. Allele origin: germline.

Blueprint Genetics
Classification: Pathogenic for GNPTG-related disorders. Last evaluated: 2024-04-30. Review status: criteria provided, single submitter. Criteria: ACMG Guidelines, 2015. Collection method: clinical testing. Allele origin: germline. Affected: yes. Observed: 4 variant alleles.

Fulgent Genetics
Classification: Pathogenic for GNPTG-mucolipidosis. Last evaluated: 2024-04-18. Review status: criteria provided, single submitter. Criteria: ACMG Guidelines, 2015. Collection method: clinical testing. Allele origin: germline.

Institute of Human Genetics, Univ. Regensburg, Univ. Regensburg
Classification: Pathogenic for Retinal dystrophy. Last evaluated: 2023-01-01. Review status: criteria provided, single submitter. Criteria: ACMG Guidelines, 2015. Collection method: clinical testing. Allele origin: germline. Affected: yes.

Genome-Nilou Lab
Classification: Pathogenic for GNPTG-mucolipidosis. Last evaluated: 2021-11-07. Review status: criteria provided, single submitter. Criteria: ACMG Guidelines, 2015. Collection method: clinical testing. Allele origin: germline. Affected: no.

Clinical Genetics DNA and cytogenetics Diagnostics Lab, Erasmus MC, Erasmus Medical Center
Classification: Pathogenic for GNPTG-mucolipidosis. Last evaluated: 2015-09-21. Review status: criteria provided, single submitter. Criteria: ACGS Guidelines, 2013. Collection method: clinical testing. Allele origin: germline. Affected: yes. Study: VKGL Data-share Consensus.

Counsyl
Classification: Pathogenic for GNPTG-mucolipidosis. Last evaluated: 2017-10-17. Review status: no assertion criteria provided. Collection method: clinical testing. Allele origin: unknown. Not counted in ClinVar's aggregate classification.

Clinical Genetics, Academic Medical Center
Classification: Pathogenic. Review status: no assertion criteria provided. Collection method: clinical testing. Allele origin: germline. Affected: yes. Study: VKGL Data-share Consensus. Not counted in ClinVar's aggregate classification.

GeneReviews
No classification provided. Condition: GNPTG-mucolipidosis. Review status: no classification provided. Collection method: literature only. Allele origin: unknown. Not counted in ClinVar's aggregate classification.

Literature cited by the submitters: PubMed 19370764 (cited by Labcorp Genetics (formerly Invitae), Labcorp); PubMed 20301784 (cited by Labcorp Genetics (formerly Invitae), Labcorp and GeneReviews); PubMed 15060128 (cited by 4 submitters); PubMed 28950892 (cited by Labcorp Genetics (formerly Invitae), Labcorp and Institute of Human Genetics, Univ. Regensburg, Univ. Regensburg); PubMed 27243974 (cited by Natera, Inc. and Counsyl); PubMed 28468868 (cited by Natera, Inc.); PubMed 25525159 (cited by Institute of Human Genetics, Univ. Regensburg, Univ. Regensburg); PubMed 29170090 (cited by Institute of Human Genetics, Univ. Regensburg, Univ. Regensburg); PubMed 31589614 (cited by Institute of Human Genetics, Univ. Regensburg, Univ. Regensburg); PubMed 34426522 (cited by Institute of Human Genetics, Univ. Regensburg, Univ. Regensburg); PubMed 25182519 (cited by Counsyl); NCBI Bookshelf NBK24701 (cited by GeneReviews).

NM_032520.5(GNPTG):c.196C>T (p.Arg66Ter)

Gene: GNPTG (N-acetylglucosamine-1-phosphate transferase subunit gamma; plus strand). Cytogenetic location: 16p13.3.
Variant type: single nucleotide variant.
Coding change: c.196C>T on transcript NM_032520.5 (MANE Select); coding-DNA position 196, C replaced by T.
Protein change: p.Arg66Ter; replaces arginine 66 with a stop codon.
Molecular consequence: nonsense.
Genome position (GRCh38, 1-based): chr16:1,361,760, C>T. VCF-style: chr16-1361760-C-T. GRCh37 (hg19) VCF-style: chr16-1411761-C-T.
Other names: short protein forms R66*.
Identifiers: ClinVar variation 21713 (VCV000021713.19), dbSNP rs193302848, ClinGen allele CA342401.